The following is an entry in ClinVar:

ClinVar aggregate classification (germline): Pathogenic (1 of 4 stars; one submission).

Conditions:
GLUT1 deficiency syndrome 1, autosomal recessive. Identifiers: MedGen C3149117.

Submission:

Labcorp Genetics (formerly Invitae), Labcorp
Classification: Pathogenic for GLUT1 deficiency syndrome 1, autosomal recessive. Last evaluated: 2022-08-15. Review status: criteria provided, single submitter. Criteria: Invitae Variant Classification Sherloc (09022015). Collection method: clinical testing. Allele origin: germline.
Comment: ClinVar contains an entry for this variant (Variation ID: 645950). This variant has not been reported in the literature in individuals affected with SLC2A1-related conditions. This variant is not present in population databases (gnomAD no frequency). This sequence change creates a premature translational stop signal (p.Met142Cysfs*49) in the SLC2A1 gene. It is expected to result in an absent or disrupted protein product. Loss-of-function variants in SLC2A1 are known to be pathogenic (PMID: 21832227, 26193382). For these reasons, this variant has been classified as Pathogenic.

Literature cited by the submitters: PubMed 21832227; PubMed 26193382.

NM_006516.4(SLC2A1):c.420del (p.Met142fs)

Gene: SLC2A1 (solute carrier family 2 member 1; minus strand). Cytogenetic location: 1p34.2.
Variant type: Deletion.
Coding change: c.420del on transcript NM_006516.4 (MANE Select); coding-DNA position 420, one base deleted (G; older notation c.420delG).
Protein change: p.Met142fs; shifts the reading frame from methionine 142.
Molecular consequence: frameshift variant.
Genome position (GRCh38, 1-based): chr1:42,930,722, C deleted on the plus strand (G on the coding strand, the reverse complement: SLC2A1 is on the minus strand). VCF-style (leftmost placement, unchanged base first): chr1-42930721-GC-G. GRCh37 (hg19) VCF-style: chr1-43396392-GC-G.
Other names: short protein forms M142fs.
Identifiers: ClinVar variation 645950 (VCV000645950.7), dbSNP rs1570593475, ClinGen allele CA915941231.